The following is an entry in ClinVar:

NM_032444.4(SLX4):c.2368C>T (p.Pro790Ser)

Gene: SLX4 (SLX4 structure-specific endonuclease subunit; minus strand). Cytogenetic location: 16p13.3.
Variant type: single nucleotide variant.
Coding change: c.2368C>T on transcript NM_032444.4 (MANE Select); coding-DNA position 2368, C replaced by T.
Protein change: p.Pro790Ser; replaces proline 790 with serine.
Molecular consequence: missense variant.
Genome position (GRCh38, 1-based): chr16:3,591,270, G>A on the plus strand (C>T on the coding strand, the complement: SLX4 is on the minus strand). VCF-style: chr16-3591270-G-A. GRCh37 (hg19) VCF-style: chr16-3641271-G-A.
Other names: short protein forms P790S.
Identifiers: ClinVar variation 2041785 (VCV002041785.4), dbSNP rs755085861, ClinGen allele CA7866166.

ClinVar aggregate classification (germline): Uncertain significance (1 of 4 stars; one submission).

Conditions:
Fanconi anemia (FA). Also called: Fanconi's anemia. Identifiers: Orphanet 84, MedGen C0015625, MeSH D005199, MONDO:0019391.

Allele frequency attached by ClinVar (database versions not stated): gnomAD exomes 0.00003; gnomAD 0.00001; ExAC 0.00005.

Submission:

Labcorp Genetics (formerly Invitae), Labcorp
Classification: Uncertain significance for Fanconi anemia. Last evaluated: 2021-12-14. Review status: criteria provided, single submitter. Criteria: Invitae Variant Classification Sherloc (09022015). Collection method: clinical testing. Allele origin: germline.
Comment: This sequence change replaces proline, which is neutral and non-polar, with serine, which is neutral and polar, at codon 790 of the SLX4 protein (p.Pro790Ser). This variant is present in population databases (rs755085861, gnomAD 0.005%). This variant has not been reported in the literature in individuals affected with SLX4-related conditions. Algorithms developed to predict the effect of missense changes on protein structure and function output the following: SIFT: "Tolerated"; PolyPhen-2: "Possibly Damaging"; Align-GVGD: "Class C0". The serine amino acid residue is found in multiple mammalian species, which suggests that this missense change does not adversely affect protein function. In summary, the available evidence is currently insufficient to determine the role of this variant in disease. Therefore, it has been classified as a Variant of Uncertain Significance.